The following is an entry in ClinVar:

NM_014363.6(SACS):c.4003G>A (p.Val1335Ile)

Gene: SACS (sacsin molecular chaperone; minus strand). Cytogenetic location: 13q12.12.
Variant type: single nucleotide variant.
Coding change: c.4003G>A on transcript NM_014363.6 (MANE Select); coding-DNA position 4003, G replaced by A.
Protein change: p.Val1335Ile; replaces valine 1335 with isoleucine.
Molecular consequence: missense variant.
Genome position (GRCh38, 1-based): chr13:23,339,873, C>T on the plus strand (G>A on the coding strand, the complement: SACS is on the minus strand). VCF-style: chr13-23339873-C-T. GRCh37 (hg19) VCF-style: chr13-23914012-C-T.
Other names: c.3562G>A, p.Val1188Ile (NM_001278055.2); short protein forms V1188I, V1335I.
Identifiers: ClinVar variation 1983601 (VCV001983601.5), dbSNP rs1049580052, ClinGen allele CA387533036.

ClinVar aggregate classification (germline): Conflicting classifications of pathogenicity. Review status: criteria provided, conflicting classifications (1 of 4 stars). 2 submissions from 2 submitters: Uncertain significance (1); Likely benign (1). Last evaluated 2024-08-12.

Conditions:
Spastic paraplegia. Identifiers: MedGen C0037772, HP:0001258.

Submissions (2):

Women's Health and Genetics/Laboratory Corporation of America, LabCorp
Classification: Uncertain significance. Last evaluated: 2024-08-12. Review status: criteria provided, single submitter. Criteria: LabCorp Variant Classification Summary - May 2015. Collection method: clinical testing. Allele origin: germline.
Comment: Variant summary: SACS c.4003G>A (p.Val1335Ile) results in a conservative amino acid change in the encoded protein sequence. Three of five in-silico tools predict a damaging effect of the variant on protein function. The variant allele was found at a frequency of 4e-06 in 250784 control chromosomes. The available data on variant occurrences in the general population are insufficient to allow any conclusion about variant significance. To our knowledge, no occurrence of c.4003G>A in individuals affected with Autosomal Recessive Spastic Ataxia Of Charlevoix-Saguenay and no experimental evidence demonstrating its impact on protein function have been reported. ClinVar contains an entry for this variant (Variation ID: 1983601). Based on the evidence outlined above, the variant was classified as uncertain significance.

Labcorp Genetics (formerly Invitae), Labcorp
Classification: Likely benign for Spastic paraplegia. Last evaluated: 2023-11-15. Review status: criteria provided, single submitter. Criteria: Invitae Variant Classification Sherloc (09022015). Collection method: clinical testing. Allele origin: germline.

Literature cited by the submitters: PubMed 38132465 (cited by Women's Health and Genetics/Laboratory Corporation of America, LabCorp).